The following is an entry in ClinVar:

ClinVar aggregate classification (germline): Pathogenic/Likely pathogenic. Review status: criteria provided, multiple submitters, no conflicts (2 of 4 stars). 5 submissions from 5 submitters: Pathogenic (2); Likely pathogenic (2). 1 of the submissions does not count toward it. Last evaluated 2025-03-23.

Conditions:
RASopathy. Also called: Noonan spectrum disorder; rasopathies. Identifiers: Orphanet 536391, MedGen C5555857, MONDO:0021060.
Noonan syndrome (NS). Also called: Noonan's syndrome. Identifiers: Orphanet 648, MedGen C0028326, MeSH D009634, MONDO:0018997. Disease mechanism: gain of function.
Noonan syndrome 5 (NS5). Also called: RAF1-Related Noonan Syndrome. Identifiers: Orphanet 648, MedGen C1969057, MONDO:0012690, OMIM 611553. Disease mechanism: gain of function.

Submissions (5):

Variantyx, Inc.
Classification: Pathogenic for Noonan syndrome 5. Last evaluated: 2025-03-23. Review status: criteria provided, single submitter. Criteria: Variantyx Assertion Criteria 2022. Collection method: clinical testing. Allele origin: de novo. Affected: yes.
Comment: This is a nonsynonymous variant in the RAF1 gene (OMIM: 164760). Pathogenic variants in this gene have been associated with autosomal dominant Noonan syndrome 5. This variant has been reported in at least one affected individual(s) (PMID: 33128510) (PS4_Supporting). This variant lies within a known hotspot for pathogenic variants or a well-established critical functional domain of the RAF1 protein (PMID: 29271604) (PM1). Alternate amino acid changes at this position (p.Ser259Ala and p.Ser259Thr) have been previously reported in similarly affected individuals, which suggests that this residue is biologically important (PMID: 23321623, 19020799). Multiple computational algorithms predict a deleterious effect for this variant (REVEL score: 0.703) (PP3). This variant is absent from control populations (PM2_Supporting). Based on the current evidence, this variant is classified as pathogenic for autosomal dominant Noonan syndrome 5.

Labcorp Genetics (formerly Invitae), Labcorp
Classification: Pathogenic for RASopathy. Last evaluated: 2021-03-31. Review status: criteria provided, single submitter. Criteria: Invitae Variant Classification Sherloc (09022015). Collection method: clinical testing. Allele origin: germline.
Comment: This sequence change replaces serine with proline at codon 259 of the RAF1 protein (p.Ser259Pro). The serine residue is highly conserved and there is a moderate physicochemical difference between serine and proline. For these reasons, this variant has been classified as Pathogenic. This variant disrupts the p.Ser259 amino acid residue in RAF1. Other variant(s) that disrupt this residue have been determined to be pathogenic (PMID: 19020799, 17603483, 20052757, 22465605, Invitae). This suggests that this residue is clinically significant, and that variants that disrupt this residue are likely to be disease-causing. Advanced modeling of protein sequence and biophysical properties (such as structural, functional, and spatial information, amino acid conservation, physicochemical variation, residue mobility, and thermodynamic stability) performed at Invitae indicates that this missense variant is expected to disrupt RAF1 protein function. This variant has been observed in individual(s) with Noonan syndrome (PMID: 23321623). In at least one individual the variant was observed to be de novo. ClinVar contains an entry for this variant (Variation ID: 228288). This variant is not present in population databases (ExAC no frequency).

Women's Health and Genetics/Laboratory Corporation of America, LabCorp
Classification: Likely pathogenic for Rasopathy. Last evaluated: 2018-01-29. Review status: criteria provided, single submitter. Criteria: LabCorp Variant Classification Summary - May 2015. Collection method: clinical testing. Allele origin: germline.
Comment: Variant summary: RAF1 c.775T>C (p.Ser259Pro) located in the conserved region 2 (CR2) domain causes an alteration of a conserved nucleotide that alters a phosphorylation site (Kobayashi_2010). Four of five in-silico tools predict a damaging effect of the variant on protein function. Functional studies, Kobayashi_2010 and Pandit_2007, indicate that Ser259 is a phosphorylation site that plays a key role in RAF1 regulation, although the variant of interest was not directly evaluated. Other variants affecting codon 259 have been reported as Pathogneic/Likely Pathogenic in ClinVar (p.Ser259Phe, Ser259Thr), further evidence of the importance of this codon. The variant was absent in 246244 control chromosomes (gnomAD). Multiple publications, Bhoj_202016 and Cronnen_2013, cite the variant in Noonan patients including one being indicated as a de novo event. A clinical diagnostic laboratory (evaluation after 2014) classified the variant as "likely pathogenic." Based on the evidence outlined above, the variant was classified as likely pathogenic.

Laboratory for Molecular Medicine, Mass General Brigham Personalized Medicine
Classification: Likely pathogenic for Noonan syndrome. Last evaluated: 2015-10-08. Review status: criteria provided, single submitter. Criteria: LMM Criteria. Collection method: clinical testing. Allele origin: germline. Inheritance: Autosomal dominant inheritance. Observed: 1 variant allele.
Comment: The p.Ser259Pro variant in RAF1 has been previously identified as a de novo vari ant in 1 fetus with abnormal ultrasound findings, including cystic hygroma and C HD (Croonen 2013). It was absent from large population studies. In addition, two different amino acid changes at this position (p.Ser259Phe, p.Ser259Tyr) have b een identified in multiple individuals with Noonan spectrum disorders, suggestin g a change at this position may not be tolerated (Pandit 2007, Kobayashi 2009, L MM unpublished data). In vitro functional studies suggest that decreased phospho rylation of the wildtype Serine (Ser) at position 259 may impact protein functio n (Kobayashi 2009); however, these types of assays may not accurately represent biological function. Computational prediction tools and conservation analysis do not provide strong support for or against an impact to the protein. In summary, although additional studies are required to fully establish its clinical signif icance, the p.Ser259Pro variant is likely pathogenic.

Service de Génétique Moléculaire, Hôpital Robert Debré
Classification: Likely pathogenic for Noonan syndrome. Review status: no assertion criteria provided. Collection method: clinical testing. Allele origin: de novo. Affected: yes. Not counted in ClinVar's aggregate classification.

Literature cited by the submitters: PubMed 19020799 (cited by Labcorp Genetics (formerly Invitae), Labcorp); PubMed 17603483 (cited by 3 submitters); PubMed 20052757 (cited by 3 submitters); PubMed 22465605 (cited by Labcorp Genetics (formerly Invitae), Labcorp); PubMed 23321623 (cited by 3 submitters); PubMed 27040691 (cited by Women's Health and Genetics/Laboratory Corporation of America, LabCorp); PubMed 12675918 (cited by Laboratory for Molecular Medicine, Mass General Brigham Personalized Medicine); PubMed 24732797 (cited by Laboratory for Molecular Medicine, Mass General Brigham Personalized Medicine).

NM_002880.4(RAF1):c.775T>C (p.Ser259Pro)

Gene: RAF1 (Raf-1 proto-oncogene, serine/threonine kinase; minus strand). Cytogenetic location: 3p25.2.
Variant type: single nucleotide variant.
Coding change: c.775T>C on transcript NM_002880.4 (MANE Select); coding-DNA position 775, T replaced by C.
Protein change: p.Ser259Pro; replaces serine 259 with proline.
Molecular consequence: missense variant. On other transcripts: non-coding transcript variant (3).
Genome position (GRCh38, 1-based): chr3:12,604,195, A>G on the plus strand (T>C on the coding strand, the complement: RAF1 is on the minus strand). VCF-style: chr3-12604195-A-G. GRCh37 (hg19) VCF-style: chr3-12645694-A-G.
Other names: c.775T>C, p.Ser259Pro (NM_001354689.3, NM_001354690.3); c.532T>C, p.Ser178Pro (NM_001354691.3, NM_001354692.3, NM_001354694.3); c.676T>C, p.Ser226Pro (NM_001354693.3); c.433T>C, p.Ser145Pro (NM_001354695.3); short protein forms S259P, S145P, S178P, S226P.
Identifiers: ClinVar variation 228288 (VCV000228288.14), dbSNP rs3730271, ClinGen allele CA10576602.